The following is an entry in ClinVar:

ClinVar aggregate classification (germline): Uncertain significance (1 of 4 stars; one submission).

Conditions:
Arrhythmogenic right ventricular dysplasia 11. Also called: ARRHYTHMOGENIC RIGHT VENTRICULAR DYSPLASIA, FAMILIAL, 11; Arrhythmogenic Right Ventricular Dysplasia/Cardiomyopathy11; Arrhythmogenic right ventricular dysplasia 11 with mild palmoplantar keratoderma and woolly hair. Identifiers: MedGen C1864850, MONDO:0012506, OMIM 610476.

Submission:

Labcorp Genetics (formerly Invitae), Labcorp
Classification: Uncertain significance for Arrhythmogenic right ventricular dysplasia 11. Last evaluated: 2019-12-21. Review status: criteria provided, single submitter. Criteria: Invitae Variant Classification Sherloc (09022015). Collection method: clinical testing. Allele origin: germline.
Comment: In summary, the available evidence is currently insufficient to determine the role of this variant in disease. Therefore, it has been classified as a Variant of Uncertain Significance. Algorithms developed to predict the effect of missense changes on protein structure and function (SIFT, PolyPhen-2, Align-GVGD) all suggest that this variant is likely to be tolerated, but these predictions have not been confirmed by published functional studies and their clinical significance is uncertain. This variant has not been reported in the literature in individuals with DSC2-related conditions. This variant is not present in population databases (ExAC no frequency). This sequence change replaces isoleucine with leucine at codon 704 of the DSC2 protein (p.Ile704Leu). The isoleucine residue is weakly conserved and there is a small physicochemical difference between isoleucine and leucine.

NM_024422.6(DSC2):c.2110A>C (p.Ile704Leu)

Gene: DSC2 (desmocollin 2; minus strand). Cytogenetic location: 18q12.1.
Variant type: single nucleotide variant.
Coding change: c.2110A>C on transcript NM_024422.6 (MANE Select); coding-DNA position 2110, A replaced by C.
Protein change: p.Ile704Leu; replaces isoleucine 704 with leucine.
Molecular consequence: missense variant.
Genome position (GRCh38, 1-based): chr18:31,071,620, T>G on the plus strand (A>C on the coding strand, the complement: DSC2 is on the minus strand). VCF-style: chr18-31071620-T-G. GRCh37 (hg19) VCF-style: chr18-28651586-T-G.
Other names: c.2110A>C, p.Ile704Leu (NM_004949.5); short protein forms I704L.
Identifiers: ClinVar variation 848192 (VCV000848192.10), dbSNP rs1986830020, ClinGen allele CA402112741.